The following is an entry in ClinVar:

NM_000051.4(ATM):c.737_742del (p.Asn246_Phe247del)

Gene: ATM (ATM serine/threonine kinase; plus strand). Cytogenetic location: 11q22.3.
Variant type: Deletion.
Coding change: c.737_742del on transcript NM_000051.4 (MANE Select); coding-DNA positions 737 to 742, 6 bases deleted (ACTTTC; older notation c.737_742delACTTTC).
Protein change: p.Asn246_Phe247del.
Molecular consequence: inframe deletion.
Genome position (GRCh38, 1-based): chr11:108,244,862-108,244,867, ACTTTC deleted. VCF-style (leftmost placement, unchanged base first): chr11-108244861-AACTTTC-A. GRCh37 (hg19) VCF-style: chr11-108115588-AACTTTC-A.
Other names: c.737_742del, p.Asn246_Phe247del (NM_001351834.2); c.737_742delACTTTC (NM_000051.3).
Identifiers: ClinVar variation 481210 (VCV000481210.5), dbSNP rs1555067088, ClinGen allele CA658656186.

ClinVar aggregate classification (germline): Uncertain significance (1 of 4 stars; one submission).

Conditions:
Hereditary cancer-predisposing syndrome. Also called: Hereditary Cancer Syndrome; Neoplastic Syndromes, Hereditary; Tumor predisposition; Hereditary neoplastic syndrome. Identifiers: Orphanet 140162, MedGen C0027672, MeSH D009386, MONDO:0015356.

Submission:

Ambry Genetics
Classification: Uncertain significance for Hereditary cancer-predisposing syndrome. Last evaluated: 2016-01-08. Review status: criteria provided, single submitter. Criteria: Ambry Variant Classification Scheme 2023. Collection method: clinical testing. Allele origin: germline.
Comment: The c.737_742delACTTTC variant (also known as p.N246_F247del) is located in coding exon 6 of the ATM gene. This variant results from an in-frame deletion of six nucleotides at positions 737 to 742. This results in the deletion of asparagine and phenylalanine residues between codons 246 and 247. This variant was not reported in population based cohorts in the following databases: Database of Single Nucleotide Polymorphisms (dbSNP), NHLBI Exome Sequencing Project (ESP), and 1000 Genomes Project. In the ESP, this variant was not observed in 6498 samples (12996 alleles) with coverage at this position. To date, this alteration has been detected with an allele frequency of approximately 0.001% (greater than 125000 alleles tested) in our clinical cohort. The asparagine at amino acid position 246 is highly conserved although the phenylalanine at amino acid position 247 is not well conserved on available sequence alignment. Since supporting evidence is limited at this time, the clinical significance of c.737_742delACTTTC remains unclear.